The following is an entry in ClinVar:

ClinVar aggregate classification (germline): Conflicting classifications of pathogenicity. Review status: criteria provided, conflicting classifications (1 of 4 stars). 10 submissions from 10 submitters: Uncertain significance (1); Benign (1); Likely benign (5). 3 of the submissions do not count toward it. Last evaluated 2025-06-11.

Conditions:
Hereditary cancer-predisposing syndrome. Also called: Tumor predisposition; Neoplastic Syndromes, Hereditary; Hereditary neoplastic syndrome; Hereditary Cancer Syndrome. Identifiers: Orphanet 140162, MedGen C0027672, MeSH D009386, MONDO:0015356.
Familial cancer of breast. Also called: Hereditary breast cancer; BREAST CANCER, FAMILIAL; hereditary breast carcinoma. Identifiers: Orphanet 227535, MedGen C0346153, MONDO:0016419, OMIM 114480. Disease mechanism: loss of function.
Breast-ovarian cancer, familial, susceptibility to, 2 (BROVCA2). Also called: BRCA2 Hereditary Breast and Ovarian Cancer. Identifiers: Orphanet 145, MedGen C2675520, MONDO:0012933, OMIM 612555. Disease mechanism: loss of function.
Hereditary breast ovarian cancer syndrome. Also called: Hereditary breast and ovarian cancer; Hereditary breast and ovarian cancer syndrome (HBOC); Hereditary breast and/or ovarian cancer syndrome; Breast and ovarian cancer; Hereditary breast and ovarian cancer syndrome; BRCA1- and BRCA2-Associated Hereditary Breast and Ovarian Cancer. Identifiers: Orphanet 145, MedGen C0677776, MeSH D061325, MONDO:0003582. Disease mechanism: loss of function.

Allele frequency attached by ClinVar (database versions not stated): gnomAD 0.00001; gnomAD exomes 0.00001; TOPMed 0.00001.
gnomAD v4.1: 12 of 1,519,260 alleles (0.00079%); highest among the groups gnomAD compares: Non-Finnish European, 0.00091%; no homozygotes.

Submissions (10):

Labcorp Genetics (formerly Invitae), Labcorp
Classification: Benign for Hereditary breast ovarian cancer syndrome. Last evaluated: 2025-06-11. Review status: criteria provided, single submitter. Criteria: Invitae Variant Classification Sherloc (09022015). Collection method: clinical testing. Allele origin: germline.

Center for Genomic Medicine, Rigshospitalet, Copenhagen University Hospital
Classification: Likely benign. Last evaluated: 2025-03-04. Review status: criteria provided, single submitter. Criteria: ACMG Guidelines, 2015. Collection method: clinical testing. Allele origin: germline.

Women's Health and Genetics/Laboratory Corporation of America, LabCorp
Classification: Likely benign. Last evaluated: 2024-12-11. Review status: criteria provided, single submitter. Criteria: LabCorp Variant Classification Summary - May 2015. Collection method: clinical testing. Allele origin: germline.

Sema4
Classification: Uncertain significance for Hereditary cancer-predisposing syndrome. Last evaluated: 2021-08-31. Review status: criteria provided, single submitter. Criteria: Sema4 Curation Guidelines. Collection method: curation. Allele origin: germline.
Comment: The BRCA2 c.682-13A>G variant has not been reported in the literature to our knowledge. This variant is not reported in the population database Genome Aggregation Database (PMID: 32461654). This variant does not overlap a splice site and algorithms developed to predict the effect of sequence changes on RNA splicing do not suggest negative effect on normal splicing. The variant has been reported in ClinVar (Variation ID: 38068). There is no indication that this variant causes disease, but the evidence is insufficient currently to prove that conclusively. In summary, the clinical significance of this variant is currently uncertain.

Department of Pathology and Laboratory Medicine, Sinai Health System
Classification: Likely benign for Familial cancer of breast; Breast-ovarian cancer, familial, susceptibility to, 2. Last evaluated: 2019-10-15. Review status: criteria provided, single submitter. Criteria: ACMG Guidelines, 2015. Collection method: clinical testing. Allele origin: germline. Affected: yes.

Color Diagnostics, LLC DBA Color Health
Classification: Likely benign for Hereditary cancer-predisposing syndrome. Last evaluated: 2018-11-20. Review status: criteria provided, single submitter. Criteria: ACMG Guidelines, 2015. Collection method: clinical testing. Allele origin: germline.

GeneDx
Classification: Likely benign. Last evaluated: 2017-11-01. Review status: criteria provided, single submitter. Criteria: GeneDx Variant Classification (06012015). Collection method: clinical testing. Allele origin: germline. Affected: yes.
Comment: This variant is considered likely benign or benign based on one or more of the following criteria: it is a conservative change, it occurs at a poorly conserved position in the protein, it is predicted to be benign by multiple in silico algorithms, and/or has population frequency not consistent with disease.

Counsyl
Classification: Likely benign for Breast-ovarian cancer, familial, susceptibility to, 2. Last evaluated: 2018-06-13. Review status: no assertion criteria provided. Collection method: clinical testing. Allele origin: unknown. Not counted in ClinVar's aggregate classification.

Sharing Clinical Reports Project (SCRP)
Classification: Uncertain significance for Breast-ovarian cancer, familial 2. Last evaluated: 2012-01-03. Review status: no assertion criteria provided. Collection method: clinical testing. Allele origin: germline. Not counted in ClinVar's aggregate classification.

Breast Cancer Information Core (BIC) (BRCA2)
Classification: Uncertain significance for Breast-ovarian cancer, familial 2. Last evaluated: 1999-04-12. Review status: no assertion criteria provided. Collection method: clinical testing. Allele origin: germline. Affected: yes. Observed: 1 variant allele. Not counted in ClinVar's aggregate classification.

NM_000059.4(BRCA2):c.682-13A>G

Gene: BRCA2 (BRCA2 DNA repair associated; plus strand). Cytogenetic location: 13q13.1.
Variant type: single nucleotide variant.
Coding change: c.682-13A>G on transcript NM_000059.4 (MANE Select); 13 bases into the intron before coding-DNA position 682, A replaced by G.
Molecular consequence: intron variant.
Genome position (GRCh38, 1-based): chr13:32,330,906, A>G. VCF-style: chr13-32330906-A-G. GRCh37 (hg19) VCF-style: chr13-32905043-A-G.
Other names: IVS8-13A>G.
Identifiers: ClinVar variation 38068 (VCV000038068.23), dbSNP rs81002888, ClinGen allele CA024454.